The following is an entry in ClinVar:

NM_002397.5(MEF2C):c.321del (p.Gly108fs)

Gene: MEF2C (myocyte enhancer factor 2C; minus strand). Cytogenetic location: 5q14.3.
Variant type: Deletion.
Coding change: c.321del on transcript NM_002397.5 (MANE Select); coding-DNA position 321, one base deleted (A; older notation c.321delA).
Protein change: p.Gly108fs; shifts the reading frame from glycine 108.
Molecular consequence: frameshift variant. On other transcripts: 5 prime UTR variant (2), intron variant (12).
Genome position (GRCh38, 1-based): chr5:88,761,266, T deleted on the plus strand (A on the coding strand, the reverse complement: MEF2C is on the minus strand). VCF-style (leftmost placement, unchanged base first): chr5-88761265-CT-C. GRCh37 (hg19) VCF-style: chr5-88057082-CT-C.
Other names: c.321del, p.Gly108fs (NM_001193350.2, NM_001308002.3, NM_001363581.2 and 18 more transcripts); c.-58del (NM_001364353.2, NM_001364356.2); c.259-9223del (NM_001364344.2, NM_001364354.2, NM_001364332.2 and 3 more transcripts); c.259-141del (NM_001131005.2, NM_001364352.2, NM_001364343.2); c.318+3del (NM_001193347.1, NM_001364338.2); c.-24-9223del (NM_001364357.2); short protein forms G108fs.
Identifiers: ClinVar variation 3544368 (VCV003544368.1).

ClinVar aggregate classification (germline): Pathogenic (1 of 4 stars; one submission).

Conditions:
Neurodevelopmental disorder with hypotonia, stereotypic hand movements, and impaired language. Also called: Intellectual disability, autosomal dominant 20. Identifiers: Orphanet 228384, Orphanet 664410, MedGen C3150700, MONDO:0013266, OMIM 613443.

Submission:

Institute of Human Genetics, FAU Erlangen, Friedrich-Alexander-Universität Erlangen-Nürnberg
Classification: Pathogenic for Neurodevelopmental disorder with hypotonia, stereotypic hand movements, and impaired language. Last evaluated: 2025-01-10. Review status: criteria provided, single submitter. Criteria: Hauer et al. (Genet Med. 2018). Collection method: clinical testing. Allele origin: germline. Inheritance: Autosomal dominant inheritance. Affected: yes. Observed: 1 variant allele.
Comment: This variant has been identified by standard clinical testing. Selected ACMG criteria: Pathogenic (I):PM2;PS2;PVS1